The following is an entry in ClinVar:

NM_001171.6(ABCC6):c.1303G>A (p.Val435Ile)

Gene: ABCC6 (ATP binding cassette subfamily C member 6; minus strand). Cytogenetic location: 16p13.11.
Variant type: single nucleotide variant.
Coding change: c.1303G>A on transcript NM_001171.6 (MANE Select); coding-DNA position 1303, G replaced by A.
Protein change: p.Val435Ile; replaces valine 435 with isoleucine.
Molecular consequence: missense variant. On other transcripts: non-coding transcript variant (1).
Genome position (GRCh38, 1-based): chr16:16,198,056, C>T on the plus strand (G>A on the coding strand, the complement: ABCC6 is on the minus strand). VCF-style: chr16-16198056-C-T. GRCh37 (hg19) VCF-style: chr16-16291913-C-T.
Other names: c.961G>A, p.Val321Ile (NM_001351800.1); short protein forms V321I, V435I.
Identifiers: ClinVar variation 1948529 (VCV001948529.3), dbSNP rs775802572, ClinGen allele CA7926374.
Genomic context (GRCh38, chr16:16,198,056, plus strand): 5'-ATCCCGTCTTCCTCCTCTGGCATACCTGCCAGAGATAGACGAAGCAGACCACGATCCAGA[C>T]GAGAGGCAGCCACAGCCCGTTGAGGTAGAGGACGCTCTCGGTCAGCCGCTGCACGTCCAC-3'
Protein context (NP_001162.5, residues 425-445): LYLNGLWLPL[Val435Ile]WIVVCFVYLW

ClinVar aggregate classification (germline): Uncertain significance. Review status: criteria provided, multiple submitters, no conflicts (2 of 4 stars). 2 submissions from 2 submitters: Uncertain significance (2). Last evaluated 2024-06-15.

Conditions:
Pseudoxanthoma elasticum, forme fruste. Also called: Pseudoxanthoma Elasticum, Incomplete; PSEUDOXANTHOMA ELASTICUM, HETEROZYGOUS. Identifiers: Orphanet 758, MedGen C1867450, MONDO:0008333, OMIM 177850.
Arterial calcification, generalized, of infancy, 2. Identifiers: Orphanet 51608, MedGen C3276161, MONDO:0013768, OMIM 614473.
Autosomal recessive inherited pseudoxanthoma elasticum (PXE). Identifiers: Orphanet 758, MedGen CN032334, MONDO:0009925, OMIM 264800.

Allele frequency attached by ClinVar (database versions not stated): ExAC 0.00001; gnomAD exomes 0.00001; gnomAD 0.00001.
gnomAD v4.1: 27 of 1,613,998 alleles (0.0017%); highest among the groups gnomAD compares: Admixed American, 0.0067%; no homozygotes.

Submissions (2):

Fulgent Genetics
Classification: Uncertain significance for Pseudoxanthoma elasticum, forme fruste; Autosomal recessive inherited pseudoxanthoma elasticum; Arterial calcification, generalized, of infancy, 2. Last evaluated: 2024-06-15. Review status: criteria provided, single submitter. Criteria: ACMG Guidelines, 2015. Collection method: clinical testing. Allele origin: germline.

Labcorp Genetics (formerly Invitae), Labcorp
Classification: Uncertain significance. Last evaluated: 2022-10-24. Review status: criteria provided, single submitter. Criteria: Invitae Variant Classification Sherloc (09022015). Collection method: clinical testing. Allele origin: germline.
Comment: This sequence change replaces valine, which is neutral and non-polar, with isoleucine, which is neutral and non-polar, at codon 435 of the ABCC6 protein (p.Val435Ile). This variant is present in population databases (rs775802572, gnomAD 0.006%). This variant has not been reported in the literature in individuals affected with ABCC6-related conditions. Advanced modeling of protein sequence and biophysical properties (such as structural, functional, and spatial information, amino acid conservation, physicochemical variation, residue mobility, and thermodynamic stability) performed at Invitae indicates that this missense variant is not expected to disrupt ABCC6 protein function. In summary, the available evidence is currently insufficient to determine the role of this variant in disease. Therefore, it has been classified as a Variant of Uncertain Significance.